The following is an entry in ClinVar:

ClinVar aggregate classification (germline): Pathogenic (1 of 4 stars; one submission).

Conditions:
Sulfite oxidase deficiency due to molybdenum cofactor deficiency type A. Also called: Molybdenum cofactor deficiency, complementation group A; Molybdenum Cofactor Deficiency A. Identifiers: Orphanet 308386, Orphanet 833, MedGen C1854988, MONDO:0009643, OMIM 252150.

Submission:

Labcorp Genetics (formerly Invitae), Labcorp
Classification: Pathogenic for Sulfite oxidase deficiency due to molybdenum cofactor deficiency type A. Last evaluated: 2024-12-08. Review status: criteria provided, single submitter. Criteria: Invitae Variant Classification Sherloc (09022015). Collection method: clinical testing. Allele origin: germline.
Comment: This sequence change creates a premature translational stop signal (p.Phe251Leufs*18) in the MOCS1 gene. It is expected to result in an absent or disrupted protein product. Loss-of-function variants in MOCS1 are known to be pathogenic (PMID: 12754701, 16021469). This variant is not present in population databases (gnomAD no frequency). This variant has not been reported in the literature in individuals affected with MOCS1-related conditions. ClinVar contains an entry for this variant (Variation ID: 2851529). For these reasons, this variant has been classified as Pathogenic.

Literature cited by the submitters: PubMed 12754701; PubMed 16021469.

NM_001358530.2(MOCS1):c.750del (p.Phe251fs)

Gene: MOCS1 (molybdenum cofactor synthesis 1; minus strand). Cytogenetic location: 6p21.2.
Variant type: Deletion.
Coding change: c.750del on transcript NM_001358530.2 (MANE Select); coding-DNA position 750, one base deleted (C; older notation c.750delC).
Protein change: p.Phe251fs; shifts the reading frame from phenylalanine 251.
Molecular consequence: frameshift variant. On other transcripts: non-coding transcript variant (1).
Genome position (GRCh38, 1-based): chr6:39,913,324, G deleted on the plus strand (C on the coding strand, the reverse complement: MOCS1 is on the minus strand); the first of 3 consecutive G bases (chr6:39,913,324-39,913,326); deleting any one gives the same sequence. VCF-style (leftmost placement, unchanged base first): chr6-39913323-AG-A. GRCh37 (hg19) VCF-style: chr6-39881067-AG-A.
Other names: c.750del, p.Phe251fs (NM_001075098.4, NM_001358529.2, NM_005943.6); c.489del, p.Phe164fs (NM_001358531.2, NM_001358533.2, NM_001358534.2); short protein forms F251fs, F164fs.
Identifiers: ClinVar variation 2851529 (VCV002851529.3), dbSNP rs2482313207, ClinGen allele CA2739273005.